The following is an entry in ClinVar:

NM_004795.4(KL):c.1978C>G (p.Pro660Ala)

Gene: KL (klotho; plus strand). Cytogenetic location: 13q13.1.
Variant type: single nucleotide variant.
Coding change: c.1978C>G on transcript NM_004795.4 (MANE Select); coding-DNA position 1978, C replaced by G.
Protein change: p.Pro660Ala; replaces proline 660 with alanine.
Molecular consequence: missense variant.
Genome position (GRCh38, 1-based): chr13:33,061,057, C>G. VCF-style: chr13-33061057-C-G. GRCh37 (hg19) VCF-style: chr13-33635194-C-G.
Other names: short protein forms P660A.
Identifiers: ClinVar variation 2805277 (VCV002805277.3), dbSNP rs202107489, ClinGen allele CA387795396.
Genomic context (GRCh38, chr13:33,061,057, plus strand): 5'-CCTATGGCCCCGAACCAAGGACTGCCGCGCCTCCTGGCCAGGCAGGGCGCCTGGGAGAAC[C>G]CCTACACTGCCCTGGCCTTTGCAGAGTATGCCCGACTGTGCTTTCAAGAGCTCGGCCATC-3'
Protein context (NP_004786.2, residues 650-670): LLARQGAWEN[Pro660Ala]YTALAFAEYA

ClinVar aggregate classification (germline): Uncertain significance (1 of 4 stars; one submission).

gnomAD v4.1: 4 of 1,612,386 alleles (0.00025%); highest among the groups gnomAD compares: Non-Finnish European, 0.00034%; no homozygotes.

Submission:

Labcorp Genetics (formerly Invitae), Labcorp
Classification: Uncertain significance. Last evaluated: 2024-05-18. Review status: criteria provided, single submitter. Criteria: Invitae Variant Classification Sherloc (09022015). Collection method: clinical testing. Allele origin: germline.
Comment: This sequence change replaces proline, which is neutral and non-polar, with alanine, which is neutral and non-polar, at codon 660 of the KL protein (p.Pro660Ala). This variant is not present in population databases (gnomAD no frequency). This variant has not been reported in the literature in individuals affected with KL-related conditions. Advanced modeling of protein sequence and biophysical properties (such as structural, functional, and spatial information, amino acid conservation, physicochemical variation, residue mobility, and thermodynamic stability) performed at Invitae indicates that this missense variant is not expected to disrupt KL protein function with a negative predictive value of 80%. In summary, the available evidence is currently insufficient to determine the role of this variant in disease. Therefore, it has been classified as a Variant of Uncertain Significance.